The following is an entry in ClinVar:

ClinVar aggregate classification (germline): Uncertain significance (1 of 4 stars; one submission).

Allele frequency attached by ClinVar (database versions not stated): gnomAD exomes below 0.00001; gnomAD 0.00001.
gnomAD v4.1: 3 of 1,427,992 alleles (0.00021%); highest among the groups gnomAD compares: Admixed American, 0.0024%; no homozygotes.

Submission:

Labcorp Genetics (formerly Invitae), Labcorp
Classification: Uncertain significance. Last evaluated: 2022-05-04. Review status: criteria provided, single submitter. Criteria: Invitae Variant Classification Sherloc (09022015). Collection method: clinical testing. Allele origin: germline.
Comment: This sequence change replaces tyrosine, which is neutral and polar, with cysteine, which is neutral and slightly polar, at codon 34 of the TRAF3IP1 protein (p.Tyr34Cys). The frequency data for this variant in the population databases is considered unreliable, as metrics indicate poor data quality at this position in the gnomAD database. This variant has not been reported in the literature in individuals affected with TRAF3IP1-related conditions. Algorithms developed to predict the effect of missense changes on protein structure and function (SIFT, PolyPhen-2, Align-GVGD) all suggest that this variant is likely to be disruptive. In summary, the available evidence is currently insufficient to determine the role of this variant in disease. Therefore, it has been classified as a Variant of Uncertain Significance.

NM_015650.4(TRAF3IP1):c.101A>G (p.Tyr34Cys)

Gene: TRAF3IP1 (TRAF3 interacting protein 1; plus strand). Cytogenetic location: 2q37.3.
Variant type: single nucleotide variant.
Coding change: c.101A>G on transcript NM_015650.4 (MANE Select); coding-DNA position 101, A replaced by G.
Protein change: p.Tyr34Cys; replaces tyrosine 34 with cysteine.
Molecular consequence: missense variant.
Genome position (GRCh38, 1-based): chr2:238,320,763, A>G. VCF-style: chr2-238320763-A-G. GRCh37 (hg19) VCF-style: chr2-239229404-A-G.
Other names: c.101A>G, p.Tyr34Cys (NM_001139490.1); short protein forms Y34C.
Identifiers: ClinVar variation 2133724 (VCV002133724.1), dbSNP rs1463811196, ClinGen allele CA351240143.